The following is an entry in ClinVar:

NM_031935.3(HMCN1):c.1266C>G (p.Ser422=)

Gene: HMCN1 (hemicentin 1; plus strand). Cytogenetic location: 1q31.1.
Variant type: single nucleotide variant.
Coding change: c.1266C>G on transcript NM_031935.3 (MANE Select); coding-DNA position 1266, C replaced by G.
Protein change: p.Ser422=; no amino-acid change (serine 422 retained).
Molecular consequence: synonymous variant.
Genome position (GRCh38, 1-based): chr1:185,923,634, C>G. VCF-style: chr1-185923634-C-G. GRCh37 (hg19) VCF-style: chr1-185892766-C-G.
Identifiers: ClinVar variation 294106 (VCV000294106.14), dbSNP rs565658664, ClinGen allele CA1291059.
Genomic context (GRCh38, chr1:185,923,634, plus strand): 5'-TCTCAAAGTAACAGGCTATGATAAAGATGATTACCTCTTCCAGAGAGTATCAAGTGTTTC[C>G]TTTTCTAGTATTGTCCCAGGTGAGACATCATTTTATTCAACATTGAAATATTGACAGTTT-3'
Protein context (NP_114141.2, residues 412-432): DYLFQRVSSV[Ser422=]FSSIVPDAPK

ClinVar aggregate classification (germline): Benign/Likely benign. Review status: criteria provided, multiple submitters, no conflicts (2 of 4 stars). 4 submissions from 4 submitters: Benign (3); Likely benign (1). Last evaluated 2026-01-12.

Conditions:
Age related macular degeneration 1 (ARMD1). Also called: MACULOPATHY, AGE-RELATED, 1. Identifiers: MedGen C1864205, MONDO:0011285, OMIM 603075.

Allele frequency attached by ClinVar (database versions not stated): gnomAD 0.00001 and 0.00052; TOPMed 0.00013; gnomAD exomes 0.00089 and 0.00179; ExAC 0.00223; 1000 Genomes Project 30x 0.00437; 1000 Genomes Project 0.00499.
gnomAD v4.1: 1,368 of 1,604,900 alleles (0.085%); highest among the groups gnomAD compares: South Asian, 1.4%; 21 homozygotes.

Submissions (4):

Labcorp Genetics (formerly Invitae), Labcorp
Classification: Benign. Last evaluated: 2026-01-12. Review status: criteria provided, single submitter. Criteria: Invitae Variant Classification Sherloc (09022015). Collection method: clinical testing. Allele origin: germline.

Genome-Nilou Lab
Classification: Likely benign for Age related macular degeneration 1. Last evaluated: 2023-04-11. Review status: criteria provided, single submitter. Criteria: ACMG Guidelines, 2015. Collection method: clinical testing. Allele origin: germline. Affected: no.

Illumina Laboratory Services, Illumina
Classification: Benign for Age related macular degeneration 1. Last evaluated: 2018-01-13. Review status: criteria provided, single submitter. Criteria: ICSL Variant Classification Criteria 13 December 2019. Collection method: clinical testing. Allele origin: germline.
Comment: This variant was observed in the ICSL laboratory as part of a predisposition screen in an ostensibly healthy population. It had not been previously curated by ICSL or reported in the Human Gene Mutation Database (HGMD: prior to June 1st, 2018), and was therefore a candidate for classification through an automated scoring system. Utilizing variant allele frequency, disease prevalence and penetrance estimates, and inheritance mode, an automated score was calculated to assess if this variant is too frequent to cause the disease. Based on the score and internal cut-off values, a variant classified as benign is not then subjected to further curation. The score for this variant resulted in a classification of benign for this disease.

Breakthrough Genomics
Classification: Benign. Review status: criteria provided, single submitter. Criteria: ACMG Guidelines, 2015. Collection method: not provided. Allele origin: germline. Inheritance: Autosomal dominant inheritance. Affected: yes.